The following is an entry in ClinVar:

ClinVar aggregate classification (germline): Likely benign (1 of 4 stars; one submission).

Submission:

GeneDx
Classification: Likely benign. Last evaluated: 2016-06-28. Review status: criteria provided, single submitter. Criteria: GeneDx Variant Classification (06012015). Collection method: clinical testing. Allele origin: germline. Affected: yes.
Comment: This variant is considered likely benign or benign based on one or more of the following criteria: it is a conservative change, it occurs at a poorly conserved position in the protein, it is predicted to be benign by multiple in silico algorithms, and/or has population frequency not consistent with disease.

NM_000310.4(PPT1):c.390A>G (p.Ser130=)

Gene: PPT1 (palmitoyl-protein thioesterase 1; minus strand). Cytogenetic location: 1p34.2.
Variant type: single nucleotide variant.
Coding change: c.390A>G on transcript NM_000310.4 (MANE Select); coding-DNA position 390, A replaced by G.
Protein change: p.Ser130=; no amino-acid change (serine 130 retained).
Molecular consequence: synonymous variant. On other transcripts: intron variant (1).
Genome position (GRCh38, 1-based): chr1:40,091,372, T>C on the plus strand (A>G on the coding strand, the complement: PPT1 is on the minus strand). VCF-style: chr1-40091372-T-C. GRCh37 (hg19) VCF-style: chr1-40557044-T-C.
Other names: c.390A>G, p.Ser130= (NM_001363695.2); c.125-1860A>G (NM_001142604.2).
Identifiers: ClinVar variation 387248 (VCV000387248.1), dbSNP rs1057522741, ClinGen allele CA16603710.